The following is an entry in ClinVar:

ClinVar aggregate classification (germline): Uncertain significance (1 of 4 stars; one submission).

Conditions:
Inborn genetic diseases. Identifiers: MedGen C0950123, MeSH D030342.

Submission:

Ambry Genetics
Classification: Uncertain significance for Inborn genetic diseases. Last evaluated: 2020-02-25. Review status: criteria provided, single submitter. Criteria: Ambry Variant Classification Scheme 2023. Collection method: clinical testing. Allele origin: germline.
Comment: The alteration results in an amino acid change:_x000D_ _x000D_ The c.295A>C (p.T99P) alteration is located in exon 1 (coding exon 1) of the POU3F3 gene. This alteration results from a A to C substitution at nucleotide position 295, causing the threonine (T) at amino acid position 99 to be replaced by a proline (P). The alteration is not observed in population databases:_x000D_ _x000D_ Based on data from the Genome Aggregation Database (gnomAD), the POU3F3 c.295A>C alteration was not observed, with coverage at this position. The altered amino acid is conserved throughout evolution:_x000D_ _x000D_ The p.T99 amino acid is conserved in available vertebrate species with limited sequence alignment The alteration is predicted tolerated by in silico modeling:_x000D_ _x000D_ The p.T99P alteration is predicted to be tolerated by in silico analysis. Based on insufficient or conflicting evidence, the clinical significance of this alteration remains unclear.

NM_006236.3(POU3F3):c.295A>C (p.Thr99Pro)

Gene: POU3F3 (POU class 3 homeobox 3; plus strand). Cytogenetic location: 2q12.1.
Variant type: single nucleotide variant.
Coding change: c.295A>C on transcript NM_006236.3 (MANE Select); coding-DNA position 295, A replaced by C.
Protein change: p.Thr99Pro; replaces threonine 99 with proline.
Molecular consequence: missense variant.
Genome position (GRCh38, 1-based): chr2:104,855,805, A>C. VCF-style: chr2-104855805-A-C. GRCh37 (hg19) VCF-style: chr2-105472263-A-C.
Other names: short protein forms T99P.
Identifiers: ClinVar variation 985594 (VCV000985594.4), dbSNP rs1676549096, ClinGen allele CA348096443.